The following is an entry in ClinVar:

ClinVar aggregate classification (germline): Uncertain significance (1 of 4 stars; one submission).

Conditions:
Benign neonatal seizures. Also called: Benign familial neonatal epilepsy; Benign neonatal familial convulsions; Benign familial neonatal seizures; Convulsions benign familial neonatal dominant form; Autosomal dominant form of benign neonatal seizures. Identifiers: Orphanet 1949, MedGen C0220669, MONDO:0016027.

gnomAD v4.1: 1 of 1,614,242 alleles (0.000062%); highest among the groups gnomAD compares: Admixed American, 0.0017%; no homozygotes.

Submission:

Labcorp Genetics (formerly Invitae), Labcorp
Classification: Uncertain significance for Benign neonatal seizures. Last evaluated: 2026-01-12. Review status: criteria provided, single submitter. Criteria: Invitae Variant Classification Sherloc (09022015). Collection method: clinical testing. Allele origin: germline.
Comment: This sequence change replaces aspartic acid, which is acidic and polar, with glutamic acid, which is acidic and polar, at codon 841 of the KCNQ3 protein (p.Asp841Glu). This variant is not present in population databases (gnomAD no frequency). This variant has not been reported in the literature in individuals affected with KCNQ3-related conditions. Invitae Evidence Modeling of protein sequence and biophysical properties (such as structural, functional, and spatial information, amino acid conservation, physicochemical variation, residue mobility, and thermodynamic stability) indicates that this missense variant is not expected to disrupt KCNQ3 protein function with a negative predictive value of 95%. In summary, the available evidence is currently insufficient to determine the role of this variant in disease. Therefore, it has been classified as a Variant of Uncertain Significance.

NM_004519.4(KCNQ3):c.2523C>A (p.Asp841Glu)

Gene: KCNQ3 (potassium voltage-gated channel subfamily Q member 3; minus strand). Cytogenetic location: 8q24.22.
Variant type: single nucleotide variant.
Coding change: c.2523C>A on transcript NM_004519.4 (MANE Select); coding-DNA position 2523, C replaced by A.
Protein change: p.Asp841Glu; replaces aspartic acid 841 with glutamic acid.
Molecular consequence: missense variant.
Genome position (GRCh38, 1-based): chr8:132,129,358, G>T on the plus strand (C>A on the coding strand, the complement: KCNQ3 is on the minus strand). VCF-style: chr8-132129358-G-T. GRCh37 (hg19) VCF-style: chr8-133141605-G-T.
Other names: c.2163C>A, p.Asp721Glu (NM_001204824.2); short protein forms D721E, D841E.
Identifiers: ClinVar variation 4770410 (VCV004770410.1).
Genomic context (GRCh38, chr8:132,129,358, plus strand): 5'-AGAAATCCCATCCCCTGTGGACGACAGAGGCATGGAGCCGCTGGGCGTGAAGGGGTCCGT[G>T]TCTGTGTCCGTCTCACCCTCGGCGAGGTACCGCTTCTCCCTCATCCAGCTCGACCCCCCA-3'
Protein context (NP_004510.1, residues 831-851): RYLAEGETDT[Asp841Glu]TDPFTPSGSM